The following is an entry in ClinVar:

NM_001369.3(DNAH5):c.12129G>A (p.Thr4043=)

Gene: DNAH5 (dynein axonemal heavy chain 5; minus strand). Cytogenetic location: 5p15.2.
Variant type: single nucleotide variant.
Coding change: c.12129G>A on transcript NM_001369.3 (MANE Select); coding-DNA position 12129, G replaced by A.
Protein change: p.Thr4043=; no amino-acid change (threonine 4043 retained).
Molecular consequence: synonymous variant.
Genome position (GRCh38, 1-based): chr5:13,721,150, C>T on the plus strand (G>A on the coding strand, the complement: DNAH5 is on the minus strand). VCF-style: chr5-13721150-C-T. GRCh37 (hg19) VCF-style: chr5-13721259-C-T.
Identifiers: ClinVar variation 698085 (VCV000698085.17), dbSNP rs779527506, ClinGen allele CA3201728.
Genomic context (GRCh38, chr5:13,721,150, plus strand): 5'-CCCCAAGGCAATGATGGAATCTGTGGGGTCTGAGCCCATAGACAGGAGACAGATGAGTGG[C>T]GTCCGTGGATCAGATTCCTCCCACGTCTTCTCCAAGTCTAAAATAACACCTTCGGCATAT-3'
Protein context (NP_001360.1, residues 4033-4053): EKTWEESDPR[Thr4043=]PLICLLSMGS

ClinVar aggregate classification (germline): Likely benign. Review status: criteria provided, single submitter (1 of 4 stars). 3 submissions from 3 submitters: Likely benign (1). 2 of the submissions do not count toward it. Last evaluated 2026-01-27.

Conditions:
Primary ciliary dyskinesia. Also called: Ciliary dyskinesia. Identifiers: Orphanet 244, MedGen C0008780, MONDO:0016575, HP:0012265.
DNAH5-related disorder. Also called: DNAH5-related condition.

Allele frequency attached by ClinVar (database versions not stated): gnomAD 0.00002 and 0.00003; TOPMed 0.00002; ExAC 0.00007; gnomAD exomes 0.00008.
gnomAD v4.1: 110 of 1,613,980 alleles (0.0068%); highest among the groups gnomAD compares: Admixed American, 0.0083%; no homozygotes.

Submissions (3):

Labcorp Genetics (formerly Invitae), Labcorp
Classification: Likely benign for Primary ciliary dyskinesia. Last evaluated: 2026-01-27. Review status: criteria provided, single submitter. Criteria: Invitae Variant Classification Sherloc (09022015). Collection method: clinical testing. Allele origin: germline.

Natera, Inc.
Classification: Likely benign for Primary ciliary dyskinesia. Last evaluated: 2020-01-29. Review status: no assertion criteria provided. Collection method: clinical testing. Allele origin: germline. Not counted in ClinVar's aggregate classification.

PreventionGenetics, part of Exact Sciences
Classification: Likely benign for DNAH5-related condition. Last evaluated: 2019-08-06. Review status: no assertion criteria provided. Collection method: clinical testing. Allele origin: germline. Not counted in ClinVar's aggregate classification.
Comment: This variant is classified as likely benign based on ACMG/AMP sequence variant interpretation guidelines (Richards et al. 2015 PMID: 25741868, with internal and published modifications).